The following is an entry in ClinVar:

ClinVar aggregate classification (germline): Likely benign. Review status: criteria provided, multiple submitters, no conflicts (2 of 4 stars). 6 submissions from 6 submitters: Likely benign (6). Last evaluated 2023-12-18.

Conditions:
Cardiovascular phenotype. Identifiers: MedGen CN230736.
Cardiomyopathy (CMYO). Also called: Cardiomyopathies. Identifiers: Orphanet 167848, MedGen C0878544, MONDO:0004994, HP:0001638. Inheritance: Various modes of inheritance.
Hypertrophic cardiomyopathy 10. Also called: CARDIOMYOPATHY, HYPERTROPHIC, MID-LEFT VENTRICULAR CHAMBER TYPE, 2; MYL2-Related Familial Hypertrophic Cardiomyopathy. Identifiers: MedGen C1834460, MONDO:0012112, OMIM 608758.
Hypertrophic cardiomyopathy. Also called: HYPERTROPHIC MYOCARDIOPATHY. Identifiers: Orphanet 217569, MedGen C0007194, MeSH D002312, MONDO:0005045, HP:0001639.

Allele frequency attached by ClinVar (database versions not stated): TOPMed 0.00001.
gnomAD v4.1: 7 of 1,614,036 alleles (0.00043%); highest among the groups gnomAD compares: South Asian, 0.0022%; no homozygotes.

Submissions (6):

All of Us Research Program, National Institutes of Health
Classification: Likely benign for Hypertrophic cardiomyopathy. Last evaluated: 2023-12-18. Review status: criteria provided, single submitter. Criteria: ACMG Guidelines, 2015. Collection method: clinical testing. Allele origin: germline. Inheritance: Autosomal dominant inheritance. Observed: 3 variant alleles, 3 heterozygotes.
Comment: This study involves interpretation of variants in research participants for the purpose of population health screening. Participant phenotype was not available at the time of variant classification. Additional details can be found in publication PMID: 35346344, PMCID: PMC8962531

Labcorp Genetics (formerly Invitae), Labcorp
Classification: Likely benign for Hypertrophic cardiomyopathy 10. Last evaluated: 2023-09-30. Review status: criteria provided, single submitter. Criteria: Invitae Variant Classification Sherloc (09022015). Collection method: clinical testing. Allele origin: germline.

Color Diagnostics, LLC DBA Color Health
Classification: Likely benign for Cardiomyopathy. Last evaluated: 2022-04-25. Review status: criteria provided, single submitter. Criteria: ACMG Guidelines, 2015. Collection method: clinical testing. Allele origin: germline.

Ambry Genetics
Classification: Likely benign for Cardiovascular phenotype. Last evaluated: 2020-08-24. Review status: criteria provided, single submitter. Criteria: Ambry Variant Classification Scheme 2023. Collection method: clinical testing. Allele origin: germline.

GeneDx
Classification: Likely benign. Last evaluated: 2017-12-13. Review status: criteria provided, single submitter. Criteria: GeneDx Variant Classification (06012015). Collection method: clinical testing. Allele origin: germline. Affected: yes.
Comment: This variant is considered likely benign or benign based on one or more of the following criteria: it is a conservative change, it occurs at a poorly conserved position in the protein, it is predicted to be benign by multiple in silico algorithms, and/or has population frequency not consistent with disease.

Laboratory for Molecular Medicine, Mass General Brigham Personalized Medicine
Classification: Likely benign. Last evaluated: 2013-01-11. Review status: criteria provided, single submitter. Criteria: LMM Criteria. Collection method: clinical testing. Allele origin: germline. Observed: 1 variant allele.
Comment: Asn47Asn in exon 3 of MYL2: This variant is not expected to have clinical signif icance because it does not alter an amino acid residue and is not located within the splice consensus sequence.

NM_000432.4(MYL2):c.141C>T (p.Asn47=)

Gene: MYL2 (myosin light chain 2; minus strand). Cytogenetic location: 12q24.11.
Variant type: single nucleotide variant.
Coding change: c.141C>T on transcript NM_000432.4 (MANE Select); coding-DNA position 141, C replaced by T.
Protein change: p.Asn47=; no amino-acid change (asparagine 47 retained).
Molecular consequence: synonymous variant.
Genome position (GRCh38, 1-based): chr12:110,915,743, G>A on the plus strand (C>T on the coding strand, the complement: MYL2 is on the minus strand). VCF-style: chr12-110915743-G-A. GRCh37 (hg19) VCF-style: chr12-111353547-G-A.
Identifiers: ClinVar variation 43457 (VCV000043457.17), dbSNP rs199474808, ClinGen allele CA009880.